The following is an entry in ClinVar:

ClinVar aggregate classification (germline): Likely pathogenic (1 of 4 stars; one submission).

Conditions:
Bartter disease type 5. Also called: Bartter syndrome, type 5, antenatal, transient. Identifiers: Orphanet 112, Orphanet 570371, MedGen C4310820, MONDO:0010503, OMIM 300971.

Submission:

Victorian Clinical Genetics Services, Murdoch Childrens Research Institute
Classification: Likely pathogenic for Bartter disease type 5. Last evaluated: 2022-02-02. Review status: criteria provided, single submitter. Criteria: ACMG Guidelines, 2015. Collection method: clinical testing. Allele origin: germline. Inheritance: X-linked recessive inheritance.
Comment: Based on the classification scheme VCGS_Germline_v1.3.4, this variant is classified as Likely pathogenic. Following criteria are met: 0102 - Loss of function is a likely mechanism of disease in this gene and is associated with antenatal transient Bartter syndrome, type 5 (MIM# 300971). (I) 0109 - This gene is associated with X-linked recessive disease. (I) 0115 - Variants in this gene are known to have variable expressivity. Variable phenotype and disease severity have been reported (PMID: 29146702). (I) 0211 - Canonical splice site variant without proven consequence on splicing (no functional evidence available). (SP) 0253 - This variant is hemizygous. (I) 0301 - Variant is absent from gnomAD (both v2 and v3). (SP) 0505 - Abnormal splicing is predicted by in silico tools and affected nucleotide is highly conserved. (SP) 0705 - No comparable canonical splice site variants have previous evidence for pathogenicity. (I) 0807 - This variant has no previous evidence of pathogenicity. (I) 0905 - No published segregation evidence has been identified for this variant. (I) 1007 - No published functional evidence has been identified for this variant. (I) 1102 - Strong phenotype match for this individual. (I) Legend: (SP) - Supporting pathogenic, (I) - Information, (SB) - Supporting benign

Literature cited by the submitters: PubMed 29146702.

NM_177433.3(MAGED2):c.1386+1G>A

Gene: MAGED2 (MAGE family member D2; plus strand). Cytogenetic location: Xp11.21.
Variant type: single nucleotide variant.
Coding change: c.1386+1G>A on transcript NM_177433.3 (MANE Select); the canonical splice donor site of the intron after coding-DNA position 1386, G replaced by A.
Molecular consequence: splice donor variant.
Genome position (GRCh38, 1-based): chrX:54,814,776, G>A. VCF-style: chrX-54814776-G-A. GRCh37 (hg19) VCF-style: chrX-54841209-G-A.
Other names: c.1386+1G>A (NM_014599.6, NM_201222.3).
Identifiers: ClinVar variation 1805201 (VCV001805201.1), dbSNP rs2519310187, ClinGen allele CA413274374.